The following is an entry in ClinVar:

NM_001374828.1(ARID1B):c.832C>G (p.Pro278Ala)

Genes: ARID1B (AT-rich interaction domain 1B; plus strand), LOC115308161 (uncharacterized LOC115308161; minus strand), LOC129997525 (ATAC-STARR-seq lymphoblastoid silent region 17712; plus strand). Cytogenetic location: 6q25.3.
Variant type: single nucleotide variant.
Coding change: c.832C>G on transcript NM_001374828.1 (MANE Select); coding-DNA position 832, C replaced by G.
Protein change: p.Pro278Ala; replaces proline 278 with alanine.
Molecular consequence: missense variant. On other transcripts: non-coding transcript variant (1).
Genome position (GRCh38, 1-based): chr6:156,778,512, C>G. VCF-style: chr6-156778512-C-G. GRCh37 (hg19) VCF-style: chr6-157099646-C-G.
Other names: c.583C>G (NM_020732.3); c.832C>G, p.Pro278Ala (NM_001371656.1, NM_001374820.1, NM_017519.3); short protein forms P278A.
Identifiers: ClinVar variation 3360842 (VCV003360842.1).

ClinVar aggregate classification (germline): Uncertain significance (1 of 4 stars; one submission).

gnomAD v4.1: 1 of 1,238,982 alleles (0.000081%); highest among the groups gnomAD compares: Non-Finnish European, 0.0001%; no homozygotes.

Submission:

GeneDx
Classification: Uncertain significance. Last evaluated: 2023-08-29. Review status: criteria provided, single submitter. Criteria: GeneDx Variant Classification Process June 2021. Collection method: clinical testing. Allele origin: germline. Affected: yes.
Comment: Not observed at significant frequency in large population cohorts (gnomAD); In silico analysis supports that this missense variant does not alter protein structure/function; Has not been previously published as pathogenic or benign to our knowledge